The following is an entry in ClinVar:

NM_004100.5(EYA4):c.221C>G (p.Thr74Ser)

Gene: EYA4 (EYA transcriptional coactivator and phosphatase 4; plus strand). Cytogenetic location: 6q23.2.
Variant type: single nucleotide variant.
Coding change: c.221C>G on transcript NM_004100.5 (MANE Select); coding-DNA position 221, C replaced by G.
Protein change: p.Thr74Ser; replaces threonine 74 with serine.
Molecular consequence: missense variant. On other transcripts: intron variant (4).
Genome position (GRCh38, 1-based): chr6:133,448,123, C>G. VCF-style: chr6-133448123-C-G. GRCh37 (hg19) VCF-style: chr6-133769261-C-G.
Other names: c.221C>G, p.Thr74Ser (NM_001301013.2, NM_172105.4); c.208+1369C>G (NM_001370458.1, NM_172103.4, NM_001370459.1 and 1 more transcripts); short protein forms T74S.
Identifiers: ClinVar variation 2832295 (VCV002832295.3), dbSNP rs2128625983, ClinGen allele CA365838206.

ClinVar aggregate classification (germline): Uncertain significance (1 of 4 stars; one submission).

Conditions:
Dilated cardiomyopathy 1J (CMD1J). Also called: CARDIOMYOPATHY, DILATED, WITH SENSORINEURAL HEARING LOSS, AUTOSOMAL DOMINANT. Identifiers: Orphanet 217622, MedGen C1854368, MONDO:0011541, OMIM 605362.

Submission:

Labcorp Genetics (formerly Invitae), Labcorp
Classification: Uncertain significance for Dilated cardiomyopathy 1J. Last evaluated: 2023-01-27. Review status: criteria provided, single submitter. Criteria: Invitae Variant Classification Sherloc (09022015). Collection method: clinical testing. Allele origin: germline.
Comment: Algorithms developed to predict the effect of missense changes on protein structure and function (SIFT, PolyPhen-2, Align-GVGD) all suggest that this variant is likely to be tolerated. This sequence change replaces threonine, which is neutral and polar, with serine, which is neutral and polar, at codon 74 of the EYA4 protein (p.Thr74Ser). This variant is not present in population databases (gnomAD no frequency). This variant has not been reported in the literature in individuals affected with EYA4-related conditions. In summary, the available evidence is currently insufficient to determine the role of this variant in disease. Therefore, it has been classified as a Variant of Uncertain Significance.